The following is an entry in ClinVar:

ClinVar aggregate classification (germline): Uncertain significance (1 of 4 stars; one submission).

Conditions:
Hereditary cancer-predisposing syndrome. Also called: Neoplastic Syndromes, Hereditary; Tumor predisposition; Hereditary neoplastic syndrome; Hereditary Cancer Syndrome. Identifiers: Orphanet 140162, MedGen C0027672, MeSH D009386, MONDO:0015356.

Submission:

Ambry Genetics
Classification: Uncertain significance for Hereditary cancer-predisposing syndrome. Last evaluated: 2026-07-06. Review status: criteria provided, single submitter. Criteria: Ambry Variant Classification Scheme 2023. Collection method: clinical testing. Allele origin: germline.
Comment: The p.K687R variant (also known as c.2060A>G), located in coding exon 13 of the NBN gene, results from an A to G substitution at nucleotide position 2060. The lysine at codon 687 is replaced by arginine, an amino acid with highly similar properties. This amino acid position is conserved. In addition, this alteration is predicted to be tolerated by in silico analysis. Based on the available evidence, the clinical significance of this variant remains unclear.

NM_002485.5(NBN):c.2060A>G (p.Lys687Arg)

Gene: NBN (nibrin; minus strand). Cytogenetic location: 8q21.3.
Variant type: single nucleotide variant.
Coding change: c.2060A>G on transcript NM_002485.5 (MANE Select); coding-DNA position 2060, A replaced by G.
Protein change: p.Lys687Arg; replaces lysine 687 with arginine.
Molecular consequence: missense variant.
Genome position (GRCh38, 1-based): chr8:89,946,150, T>C on the plus strand (A>G on the coding strand, the complement: NBN is on the minus strand). VCF-style: chr8-89946150-T-C. GRCh37 (hg19) VCF-style: chr8-90958378-T-C.
Other names: c.1814A>G, p.Lys605Arg (NM_001024688.3, NM_001440379.1, NM_001440380.1); short protein forms K687R, K605R.
Identifiers: ClinVar variation 5025400 (VCV005025400.1).